The following is an entry in ClinVar:

NM_001006658.3(CR2):c.2836G>A (p.Val946Met)

Gene: CR2 (complement C3d receptor 2; plus strand). Cytogenetic location: 1q32.2.
Variant type: single nucleotide variant.
Coding change: c.2836G>A on transcript NM_001006658.3 (MANE Select); coding-DNA position 2836, G replaced by A.
Protein change: p.Val946Met; replaces valine 946 with methionine.
Molecular consequence: missense variant.
Genome position (GRCh38, 1-based): chr1:207,476,353, G>A. VCF-style: chr1-207476353-G-A. GRCh37 (hg19) VCF-style: chr1-207649698-G-A.
Other names: p.Val946Met; c.2659G>A, p.Val887Met (NM_001877.5); short protein forms V946M, V887M.
Identifiers: ClinVar variation 726711 (VCV000726711.13), dbSNP rs147451324, ClinGen allele CA1369073.
Genomic context (GRCh38, chr1:207,476,353, plus strand): 5'-ATAGCTCGATTTTCTCCTGGAATGTCAATCCTGTACAGCTGTGACCAAGGCTACCTGCTG[G>A]TGGGAGAGGCACTCCTTCTTTGCACACATGAGGGAACCTGGAGCCAACCTGCCCCTCATT-3'
Protein context (NP_001006659.1, residues 936-956): LYSCDQGYLL[Val946Met]GEALLLCTHE

ClinVar aggregate classification (germline): Conflicting classifications of pathogenicity. Review status: criteria provided, conflicting classifications (1 of 4 stars). 4 submissions from 4 submitters: Uncertain significance (3); Likely benign (1). Last evaluated 2025-12-03.

Conditions:
Immunodeficiency, common variable, 7. Identifiers: Orphanet 1572, Orphanet 696894, MedGen C3542922, MONDO:0013862, OMIM 614699.

Allele frequency attached by ClinVar (database versions not stated): gnomAD exomes 0.00011 and 0.00032; ExAC 0.00031; gnomAD 0.00106 and 0.00115; ESP Exome Variant Server 0.00123; TOPMed 0.00142; 1000 Genomes Project 30x 0.00156; 1000 Genomes Project 0.00180.
gnomAD v4.1: 331 of 1,614,010 alleles (0.021%); highest among the groups gnomAD compares: African/African-American, 0.4%; no homozygotes.

Submissions (4):

Labcorp Genetics (formerly Invitae), Labcorp
Classification: Likely benign for Immunodeficiency, common variable, 7. Last evaluated: 2025-12-03. Review status: criteria provided, single submitter. Criteria: Invitae Variant Classification Sherloc (09022015). Collection method: clinical testing. Allele origin: germline.

Blueprint Genetics
Classification: Uncertain significance. Last evaluated: 2024-08-05. Review status: criteria provided, single submitter. Criteria: ACMG Guidelines, 2015. Collection method: clinical testing. Allele origin: germline.

GeneDx
Classification: Uncertain significance. Last evaluated: 2023-02-15. Review status: criteria provided, single submitter. Criteria: GeneDx Variant Classification Process June 2021. Collection method: clinical testing. Allele origin: germline. Affected: yes.
Comment: In silico analysis supports that this missense variant does not alter protein structure/function; Reported as a single heterozygous variant in a patient with severe hypertension and renal microangiopathy (Larsen et al., 2018) and in a patient with Sjogrens syndrome (Sogkas et al., 2020); This variant is associated with the following publications: (PMID: 33046446, 29148534)

Mayo Clinic Laboratories, Mayo Clinic
Classification: Uncertain significance. Last evaluated: 2023-01-04. Review status: criteria provided, single submitter. Criteria: ACMG Guidelines, 2015. Collection method: clinical testing. Allele origin: germline. Observed: 1 variant allele.

Literature cited by the submitters: PubMed 29148534 (cited by Mayo Clinic Laboratories, Mayo Clinic); PubMed 33046446 (cited by Mayo Clinic Laboratories, Mayo Clinic).